The following is an entry in ClinVar:

NM_001519.4(BRF1):c.242C>G (p.Ser81Trp)

Gene: BRF1 (BRF1 general transcription factor IIIB subunit; minus strand). Cytogenetic location: 14q32.33.
Variant type: single nucleotide variant.
Coding change: c.242C>G on transcript NM_001519.4 (MANE Select); coding-DNA position 242, C replaced by G.
Protein change: p.Ser81Trp; replaces serine 81 with tryptophan.
Molecular consequence: missense variant. On other transcripts: 5 prime UTR variant (2), intron variant (1).
Genome position (GRCh38, 1-based): chr14:105,286,319, G>C on the plus strand (C>G on the coding strand, the complement: BRF1 is on the minus strand). VCF-style: chr14-105286319-G-C. GRCh37 (hg19) VCF-style: chr14-105752656-G-C.
Other names: c.-104C>G (NM_001242786.2, NM_001242787.2); c.242C>G, p.Ser81Trp (NM_001242790.2); c.185-13425C>G (NM_001242788.2); short protein forms S81W.
Identifiers: ClinVar variation 3770049 (VCV003770049.1).

ClinVar aggregate classification (germline): Uncertain significance (1 of 4 stars; one submission).

gnomAD v4.1: 2 of 1,613,616 alleles (0.00012%); highest among the groups gnomAD compares: Admixed American, 0.0033%; no homozygotes.

Submission:

GeneDx
Classification: Uncertain significance. Last evaluated: 2024-09-11. Review status: criteria provided, single submitter. Criteria: GeneDx Variant Classification Process June 2021. Collection method: clinical testing. Allele origin: germline. Affected: yes.
Comment: Not observed at significant frequency in large population cohorts (gnomAD); In silico analysis supports that this missense variant has a deleterious effect on protein structure/function; Has not been previously published as pathogenic or benign to our knowledge